The following is an entry in ClinVar:

NM_001105206.3(LAMA4):c.5450T>C (p.Ile1817Thr)

Gene: LAMA4 (laminin subunit alpha 4; minus strand). Cytogenetic location: 6q21.
Variant type: single nucleotide variant.
Coding change: c.5450T>C on transcript NM_001105206.3 (MANE Select); coding-DNA position 5450, T replaced by C.
Protein change: p.Ile1817Thr; replaces isoleucine 1817 with threonine.
Molecular consequence: missense variant.
Genome position (GRCh38, 1-based): chr6:112,109,459, A>G on the plus strand (T>C on the coding strand, the complement: LAMA4 is on the minus strand). VCF-style: chr6-112109459-A-G. GRCh37 (hg19) VCF-style: chr6-112430662-A-G.
Other names: p.I1810T:ATC>ACC; c.5429T>C, p.Ile1810Thr (NM_001105207.3, NM_002290.5); short protein forms I1810T, I1817T.
Identifiers: ClinVar variation 178045 (VCV000178045.36), dbSNP rs144482486, ClinGen allele CA295679.
Genomic context (GRCh38, chr6:112,109,459, plus strand): 5'-TAAAGAACTTTGTATTTGGGCAGCTGTGCTCTGTCATGTCAGGCTGCTGGACAGGAGTTG[A>G]TGCTTACGGCGCCGCTGACCAGGGCTGCTTTACTGAAGCTCACTGGGTGTCCATCAATCA-3'
Protein context (NP_001098676.2, residues 1807-1823): KAALVSGAVS[Ile1817Thr]NSCPAA

ClinVar aggregate classification (germline): Benign/Likely benign. Review status: criteria provided, multiple submitters, no conflicts (2 of 4 stars). 13 submissions from 13 submitters: Benign (3); Likely benign (5). 5 of the submissions do not count toward it. Last evaluated 2026-02-01.

Conditions:
LAMA4-related disorder. Also called: LAMA4-related condition.
Cardiovascular phenotype. Identifiers: MedGen CN230736.
Dilated cardiomyopathy 1JJ (CMD1JJ). Identifiers: Orphanet 154, MedGen C3808935, MONDO:0014095, OMIM 615235.
Cardiomyopathy (CMYO). Also called: Cardiomyopathies. Identifiers: Orphanet 167848, MedGen C0878544, MONDO:0004994, HP:0001638. Inheritance: Various modes of inheritance.

Allele frequency attached by ClinVar (database versions not stated): TOPMed 0.00251; gnomAD exomes 0.00019 and 0.00057; ESP Exome Variant Server 0.00223; ExAC 0.00064; gnomAD 0.00208 and 0.00228; 1000 Genomes Project 30x 0.00250; 1000 Genomes Project 0.00300.
gnomAD v4.1: 596 of 1,613,974 alleles (0.037%); highest among the groups gnomAD compares: African/African-American, 0.72%; 4 homozygotes.

Submissions (13):

Labcorp Genetics (formerly Invitae), Labcorp
Classification: Benign for Dilated cardiomyopathy 1JJ. Last evaluated: 2026-02-01. Review status: criteria provided, single submitter. Criteria: Invitae Variant Classification Sherloc (09022015). Collection method: clinical testing. Allele origin: germline.

Ambry Genetics
Classification: Likely benign for Cardiovascular phenotype. Last evaluated: 2025-11-06. Review status: criteria provided, single submitter. Criteria: Ambry Variant Classification Scheme 2023. Collection method: clinical testing. Allele origin: germline.

Women's Health and Genetics/Laboratory Corporation of America, LabCorp
Classification: Likely benign. Last evaluated: 2025-03-08. Review status: criteria provided, single submitter. Criteria: LabCorp Variant Classification Summary - May 2015. Collection method: clinical testing. Allele origin: germline.

ARUP Laboratories, Molecular Genetics and Genomics, ARUP Laboratories
Classification: Likely benign for Dilated cardiomyopathy 1JJ. Last evaluated: 2021-11-09. Review status: criteria provided, single submitter. Criteria: ARUP Molecular Germline Variant Investigation Process 2021. Collection method: clinical testing. Allele origin: germline.

CHEO Genetics Diagnostic Laboratory, Children's Hospital of Eastern Ontario
Classification: Benign for Cardiomyopathy. Last evaluated: 2018-11-26. Review status: criteria provided, single submitter. Criteria: ACMG Guidelines, 2015. Collection method: clinical testing. Allele origin: germline.

Laboratory for Molecular Medicine, Mass General Brigham Personalized Medicine
Classification: Likely benign. Last evaluated: 2015-10-28. Review status: criteria provided, single submitter. Criteria: LMM Criteria. Collection method: clinical testing. Allele origin: germline. Observed: 2 variant alleles.
Comment: p.Ile1810Thr in exon 39 of LAMA4: This variant is not expected to have clinical significance because it has been identified in 0.7% (74/10388) of African chromo somes by the Exome Aggregation Consortium (ExAC; dbSNP rs144482486).

GeneDx
Classification: Benign. Last evaluated: 2015-04-07. Review status: criteria provided, single submitter. Criteria: GeneDx Variant Classification (06012015). Collection method: clinical testing. Allele origin: germline. Affected: yes.
Comment: This variant is considered likely benign or benign based on one or more of the following criteria: it is a conservative change, it occurs at a poorly conserved position in the protein, it is predicted to be benign by multiple in silico algorithms, and/or has population frequency not consistent with disease.

Breakthrough Genomics
Classification: Likely benign. Review status: criteria provided, single submitter. Criteria: ACMG Guidelines, 2015. Collection method: not provided. Allele origin: germline. Inheritance: Autosomal dominant inheritance. Affected: yes.

PreventionGenetics, part of Exact Sciences
Classification: Likely benign for LAMA4-related condition. Last evaluated: 2019-06-03. Review status: no assertion criteria provided. Collection method: clinical testing. Allele origin: germline. Not counted in ClinVar's aggregate classification.
Comment: This variant is classified as likely benign based on ACMG/AMP sequence variant interpretation guidelines (Richards et al. 2015 PMID: 25741868, with internal and published modifications).

Clinical Genetics DNA and cytogenetics Diagnostics Lab, Erasmus MC, Erasmus Medical Center
Classification: Likely benign. Review status: no assertion criteria provided. Collection method: clinical testing. Allele origin: germline. Affected: yes. Study: VKGL Data-share Consensus. Not counted in ClinVar's aggregate classification.

Clinical Genetics, Academic Medical Center
Classification: Benign. Review status: no assertion criteria provided. Collection method: clinical testing. Allele origin: germline. Affected: yes. Study: VKGL Data-share Consensus. Not counted in ClinVar's aggregate classification.

Diagnostic Laboratory, Department of Genetics, University Medical Center Groningen
Classification: Likely benign. Review status: no assertion criteria provided. Collection method: clinical testing. Allele origin: germline. Affected: yes. Study: VKGL Data-share Consensus. Not counted in ClinVar's aggregate classification.

Genome Diagnostics Laboratory, University Medical Center Utrecht
Classification: Benign. Review status: no assertion criteria provided. Collection method: clinical testing. Allele origin: germline. Affected: yes. Study: VKGL Data-share Consensus. Not counted in ClinVar's aggregate classification.